The following is an entry in ClinVar:

ClinVar aggregate classification (germline): Uncertain significance (1 of 4 stars; one submission).

gnomAD v4.1: 1 of 1,614,222 alleles (0.000062%); highest among the groups gnomAD compares: South Asian, 0.0011%; no homozygotes.

Submission:

Labcorp Genetics (formerly Invitae), Labcorp
Classification: Uncertain significance. Last evaluated: 2025-11-10. Review status: criteria provided, single submitter. Criteria: Invitae Variant Classification Sherloc (09022015). Collection method: clinical testing. Allele origin: germline.
Comment: This sequence change replaces arginine, which is basic and polar, with lysine, which is basic and polar, at codon 100 of the NIN protein (p.Arg100Lys). This variant is not present in population databases (gnomAD no frequency). This variant has not been reported in the literature in individuals affected with NIN-related conditions. An algorithm developed to predict the effect of missense changes on protein structure and function outputs the following: PolyPhen-2: "Benign". The lysine amino acid residue is found in multiple mammalian species, which suggests that this missense change does not adversely affect protein function. In summary, the available evidence is currently insufficient to determine the role of this variant in disease. Therefore, it has been classified as a Variant of Uncertain Significance.

NM_020921.4(NIN):c.299G>A (p.Arg100Lys)

Gene: NIN (ninein; minus strand). Cytogenetic location: 14q22.1.
Variant type: single nucleotide variant.
Coding change: c.299G>A on transcript NM_020921.4 (MANE Select); coding-DNA position 299, G replaced by A.
Protein change: p.Arg100Lys; replaces arginine 100 with lysine.
Molecular consequence: missense variant.
Genome position (GRCh38, 1-based): chr14:50,792,848, C>T on the plus strand (G>A on the coding strand, the complement: NIN is on the minus strand). VCF-style: chr14-50792848-C-T. GRCh37 (hg19) VCF-style: chr14-51259566-C-T.
Other names: c.299G>A, p.Arg100Lys (NM_016350.5, NM_182944.3, NM_182946.2); short protein forms R100K.
Identifiers: ClinVar variation 4730906 (VCV004730906.1).